The following is an entry in ClinVar:

NM_021625.5(TRPV4):c.1074C>T (p.Pro358=)

Gene: TRPV4 (transient receptor potential cation channel subfamily V member 4; minus strand). Cytogenetic location: 12q24.11.
Variant type: single nucleotide variant.
Coding change: c.1074C>T on transcript NM_021625.5 (MANE Select); coding-DNA position 1074, C replaced by T.
Protein change: p.Pro358=; no amino-acid change (proline 358 retained).
Molecular consequence: synonymous variant.
Genome position (GRCh38, 1-based): chr12:109,798,692, G>A on the plus strand (C>T on the coding strand, the complement: TRPV4 is on the minus strand). VCF-style: chr12-109798692-G-A. GRCh37 (hg19) VCF-style: chr12-110236497-G-A.
Other names: c.933C>T, p.Pro311= (NM_001177428.2, NM_001177433.2); c.972C>T, p.Pro324= (NM_001177431.2); c.1074C>T, p.Pro358= (NM_147204.3).
Identifiers: ClinVar variation 536873 (VCV000536873.18), dbSNP rs140040335, ClinGen allele CA6780357.
Genomic context (GRCh38, chr12:109,798,692, plus strand): 5'-GGCAGCCATCATGAGGGGCGAGAGGCCGTCGTTGTTGAGCACGGCCTCCAGGTTGCTGTC[G>A]GGGAAGAGGCGGGCACACTTGAGCAGCAGCAGGTCGTACATCTTGGTAACAAACTTGGTG-3'
Protein context (NP_067638.3, residues 348-368): LLLLKCARLF[Pro358=]DSNLEAVLNN

ClinVar aggregate classification (germline): Benign/Likely benign. Review status: criteria provided, multiple submitters, no conflicts (2 of 4 stars). 9 submissions from 4 submitters: Benign (5); Likely benign (4). Last evaluated 2025-12-23.

Conditions:
Scapuloperoneal spinal muscular atrophy (SPSMA). Also called: Scapuloperoneal spinal muscular atrophy, autosomal dominant; AMYOTROPHY, NEUROGENIC SCAPULOPERONEAL, NEW ENGLAND TYPE; Scapuloperoneal Form of Spinal Muscular Atrophy; Scapuloperoneal Spinal Muscular Atrophy, TRPV4-Related. Identifiers: Orphanet 431255, MedGen C0751335, MONDO:0008408, OMIM 181405.
Charcot-Marie-Tooth disease axonal type 2C (HMSN2C). Also called: CHARCOT-MARIE-TOOTH DISEASE, AXONAL, AUTOSOMAL DOMINANT, TYPE 2C; Charcot-Marie-Tooth Neuropathy Type 2C; Charcot-Marie-Tooth Disease Type 2, TRPV4-Related (CMT2C). Identifiers: Orphanet 99937, MedGen C1853710, MONDO:0011633, OMIM 606071.
TRPV4-related disorder. Also called: TRPV4-related disorders; TRPV4-related condition.
Inborn genetic diseases. Identifiers: MedGen C0950123, MeSH D030342.
Metatropic dysplasia (MTD). Also called: Metatropic dysplasia, nonlethal dominant; Metatropic Dysplasia, TRPV4-Related; METATROPIC DWARFISM. Identifiers: Orphanet 2635, MedGen C0265281, MONDO:0007986, OMIM 156530.
Neuronopathy, distal hereditary motor, autosomal dominant 8. Also called: Autosomal dominant congenital benign spinal muscular atrophy; NEURONOPATHY, DISTAL HEREDITARY MOTOR, TYPE VIII; NEUROPATHY, DISTAL HEREDITARY MOTOR, TYPE VIII; SPINAL MUSCULAR ATROPHY, CONGENITAL BENIGN, WITH CONTRACTURES. Identifiers: Orphanet 1216, MedGen C1838492, MONDO:0010839, OMIM 600175.
Brachyrachia (short spine dysplasia) (BCYM3). Also called: Autosomal dominant brachyolmia; Brachyolmia, TRPV4-Related; BRACHYRACHIA; Brachyolmia Type 3. Identifiers: Orphanet 93304, MedGen C0432227, MONDO:0007232, OMIM 113500.
Spondylometaphyseal dysplasia, Kozlowski type (SMDK). Also called: Spondylometaphyseal Dysplasia, TRPV4-Related (Kozlowski Type); Dysmorphism arthrogryposis skeletal maturation advanced; Jequier-Kozlowski syndrome; Skeletal dysplasia Jequier-Kozlowski type; SMD Kozlowski type. Identifiers: Orphanet 93314, MedGen C0265280, MONDO:0008477, OMIM 184252.

Allele frequency attached by ClinVar (database versions not stated): gnomAD 0.00003 and 0.00004; TOPMed 0.00003; ESP Exome Variant Server 0.00008.
gnomAD v4.1: 75 of 1,613,786 alleles (0.0046%); highest among the groups gnomAD compares: Admixed American, 0.0083%; no homozygotes.

Submissions (9):

PreventionGenetics, part of Exact Sciences
Classification: Likely benign for TRPV4-related condition. Last evaluated: 2025-12-23. Review status: criteria provided, single submitter. Criteria: ACMG Guidelines, 2015. Collection method: clinical testing. Allele origin: germline.
Comment: This variant is classified as likely benign based on ACMG/AMP sequence variant interpretation guidelines (Richards et al. 2015 PMID: 25741868, with internal and published modifications).

Labcorp Genetics (formerly Invitae), Labcorp
Classification: Likely benign for Charcot-Marie-Tooth disease axonal type 2C. Last evaluated: 2025-05-15. Review status: criteria provided, single submitter. Criteria: Invitae Variant Classification Sherloc (09022015). Collection method: clinical testing. Allele origin: germline.

Ambry Genetics
Classification: Likely benign for Inborn genetic diseases. Last evaluated: 2019-07-11. Review status: criteria provided, single submitter. Criteria: Ambry Variant Classification Scheme 2023. Collection method: clinical testing. Allele origin: germline.

Illumina Laboratory Services, Illumina
Classification: Likely benign for Charcot-Marie-Tooth disease axonal type 2C. Last evaluated: 2018-01-13. Review status: criteria provided, single submitter. Criteria: ICSL Variant Classification Criteria 13 December 2019. Collection method: clinical testing. Allele origin: germline.
Comment: This variant was observed in the ICSL laboratory as part of a predisposition screen in an ostensibly healthy population. It had not been previously curated by ICSL or reported in the Human Gene Mutation Database (HGMD: prior to June 1st, 2018), and was therefore a candidate for classification through an automated scoring system. Utilizing variant allele frequency, disease prevalence and penetrance estimates, and inheritance mode, an automated score was calculated to assess if this variant is too frequent to cause the disease. Based on the score and internal cut-off values, a variant classified as likely benign is not then subjected to further curation. The score for this variant resulted in a classification of likely benign for this disease.

Illumina Laboratory Services, Illumina
Classification: Benign for Spondylometaphyseal dysplasia, Kozlowski type. Last evaluated: 2018-01-13. Review status: criteria provided, single submitter. Criteria: ICSL Variant Classification Criteria 13 December 2019. Collection method: clinical testing. Allele origin: germline.
Comment: This variant was observed in the ICSL laboratory as part of a predisposition screen in an ostensibly healthy population. It had not been previously curated by ICSL or reported in the Human Gene Mutation Database (HGMD: prior to June 1st, 2018), and was therefore a candidate for classification through an automated scoring system. Utilizing variant allele frequency, disease prevalence and penetrance estimates, and inheritance mode, an automated score was calculated to assess if this variant is too frequent to cause the disease. Based on the score and internal cut-off values, a variant classified as benign is not then subjected to further curation. The score for this variant resulted in a classification of benign for this disease.

Illumina Laboratory Services, Illumina
Classification: Benign for Neuronopathy, distal hereditary motor, autosomal dominant 8. Last evaluated: 2018-01-13. Review status: criteria provided, single submitter. Criteria: ICSL Variant Classification Criteria 13 December 2019. Collection method: clinical testing. Allele origin: germline.
Comment: the same text as in the submission from Illumina Laboratory Services, Illumina above.

Illumina Laboratory Services, Illumina
Classification: Benign for Scapuloperoneal spinal muscular atrophy. Last evaluated: 2018-01-13. Review status: criteria provided, single submitter. Criteria: ICSL Variant Classification Criteria 13 December 2019. Collection method: clinical testing. Allele origin: germline.
Comment: the same text as in the submission from Illumina Laboratory Services, Illumina above.

Illumina Laboratory Services, Illumina
Classification: Benign for Brachyrachia (short spine dysplasia). Last evaluated: 2018-01-13. Review status: criteria provided, single submitter. Criteria: ICSL Variant Classification Criteria 13 December 2019. Collection method: clinical testing. Allele origin: germline.
Comment: the same text as in the submission from Illumina Laboratory Services, Illumina above.

Illumina Laboratory Services, Illumina
Classification: Benign for Metatropic dysplasia. Last evaluated: 2018-01-13. Review status: criteria provided, single submitter. Criteria: ICSL Variant Classification Criteria 13 December 2019. Collection method: clinical testing. Allele origin: germline.
Comment: the same text as in the submission from Illumina Laboratory Services, Illumina above.